The following is an entry in ClinVar:

ClinVar aggregate classification (germline): Uncertain significance (1 of 4 stars; one submission).

Conditions:
Adams-Oliver syndrome 5 (AOS5). Identifiers: Orphanet 974, MedGen C4014970, MONDO:0014459, OMIM 616028.

Submission:

Labcorp Genetics (formerly Invitae), Labcorp
Classification: Uncertain significance for Adams-Oliver syndrome 5. Last evaluated: 2024-02-18. Review status: criteria provided, single submitter. Criteria: Invitae Variant Classification Sherloc (09022015). Collection method: clinical testing. Allele origin: germline.
Comment: This sequence change replaces methionine, which is neutral and non-polar, with valine, which is neutral and non-polar, at codon 1960 of the NOTCH1 protein (p.Met1960Val). This variant is not present in population databases (gnomAD no frequency). This variant has not been reported in the literature in individuals affected with NOTCH1-related conditions. Advanced modeling of protein sequence and biophysical properties (such as structural, functional, and spatial information, amino acid conservation, physicochemical variation, residue mobility, and thermodynamic stability) performed at Invitae indicates that this missense variant is not expected to disrupt NOTCH1 protein function with a negative predictive value of 80%. In summary, the available evidence is currently insufficient to determine the role of this variant in disease. Therefore, it has been classified as a Variant of Uncertain Significance.

NM_017617.5(NOTCH1):c.5878A>G (p.Met1960Val)

Gene: NOTCH1 (notch receptor 1; minus strand). Cytogenetic location: 9q34.3.
Variant type: single nucleotide variant.
Coding change: c.5878A>G on transcript NM_017617.5 (MANE Select); coding-DNA position 5878, A replaced by G.
Protein change: p.Met1960Val; replaces methionine 1960 with valine.
Molecular consequence: missense variant.
Genome position (GRCh38, 1-based): chr9:136,500,608, T>C on the plus strand (A>G on the coding strand, the complement: NOTCH1 is on the minus strand). VCF-style: chr9-136500608-T-C. GRCh37 (hg19) VCF-style: chr9-139395060-T-C.
Other names: short protein forms M1960V.
Identifiers: ClinVar variation 3641880 (VCV003641880.2).
Genomic context (GRCh38, chr9:136,500,608, plus strand): 5'-CTACCTGGAAGACACCTTGTGCGTCGGCAGACACAGCCGCATGCAGCGGGGTGCGGCCCA[T>C]GTTGTCCTGGATGTTGGCATCTGCGCTGGCCTCCAGCAGGCGCTTGGCGGCATCAGAGCG-3'
Protein context (NP_060087.3, residues 1950-1970): ASADANIQDN[Met1960Val]GRTPLHAAVS